The following is an entry in ClinVar:

NM_001042492.3(NF1):c.8C>A (p.Ala3Glu)

Genes: NF1 (neurofibromin 1; plus strand), MIR4733HG (MIR4733 host gene; minus strand), LOC111811965 (NF1 (neurofibromin 1) promoter region; plus strand). Cytogenetic location: 17q11.2.
Variant type: single nucleotide variant.
Coding change: c.8C>A on transcript NM_001042492.3 (MANE Select); coding-DNA position 8, C replaced by A.
Protein change: p.Ala3Glu; replaces alanine 3 with glutamic acid.
Molecular consequence: missense variant. On other transcripts: non-coding transcript variant (1).
Genome position (GRCh38, 1-based): chr17:31,095,317, C>A. VCF-style: chr17-31095317-C-A. GRCh37 (hg19) VCF-style: chr17-29422335-C-A.
Other names: c.8C>A, p.Ala3Glu (NM_000267.4, NM_001128147.3); short protein forms A3E.
Identifiers: ClinVar variation 1765417 (VCV001765417.2), dbSNP rs1911550821, ClinGen allele CA398979177.
Genomic context (GRCh38, chr17:31,095,317, plus strand): 5'-CCCAGGGCGCCGGCCCACCCTTCCCTCCGCCGCCCCCCGGCCGCGGGGAGGACATGGCCG[C>A]GCACAGGCCGGTGGAATGGGTCCAGGCCGTGGTCAGCCGCTTCGACGAGCAGGTAACCGG-3'
Protein context (NP_001035957.1, residues 1-13): MA[Ala3Glu]HRPVEWVQAV

ClinVar aggregate classification (germline): Uncertain significance (1 of 4 stars; one submission).

Conditions:
Cardiovascular phenotype. Identifiers: MedGen CN230736.
Hereditary cancer-predisposing syndrome. Also called: Neoplastic Syndromes, Hereditary; Tumor predisposition; Hereditary Cancer Syndrome; Hereditary neoplastic syndrome. Identifiers: Orphanet 140162, MedGen C0027672, MeSH D009386, MONDO:0015356.

Submission:

Ambry Genetics
Classification: Uncertain significance for Cardiovascular phenotype; Hereditary cancer-predisposing syndrome. Last evaluated: 2021-10-05. Review status: criteria provided, single submitter. Criteria: Ambry Variant Classification Scheme 2023. Collection method: clinical testing. Allele origin: germline.
Comment: The p.A3E variant (also known as c.8C>A), located in coding exon 1 of the NF1 gene, results from a C to A substitution at nucleotide position 8. The alanine at codon 3 is replaced by glutamic acid, an amino acid with dissimilar properties. This amino acid position is well conserved in available vertebrate species. In addition, this alteration is predicted to be tolerated by in silico analysis. Since supporting evidence is limited at this time, the clinical significance of this alteration remains unclear.